The following is an entry in ClinVar:

ClinVar aggregate classification (germline): Uncertain significance (1 of 4 stars; one submission).

Conditions:
Dextro-looped transposition of the great arteries. Also called: Dextrotransposition of the great arteries. Identifiers: Orphanet 860, MedGen C3531771, MONDO:0019443, OMIM 608808, HP:0031348.

Allele frequency attached by ClinVar (database versions not stated): gnomAD exomes below 0.00001.
gnomAD v4.1: 7 of 1,614,210 alleles (0.00043%); highest among the groups gnomAD compares: Non-Finnish European, 0.00059%; no homozygotes.

Submission:

Labcorp Genetics (formerly Invitae), Labcorp
Classification: Uncertain significance for Dextro-looped transposition of the great arteries. Last evaluated: 2024-10-29. Review status: criteria provided, single submitter. Criteria: Invitae Variant Classification Sherloc (09022015). Collection method: clinical testing. Allele origin: germline.
Comment: This sequence change replaces serine, which is neutral and polar, with proline, which is neutral and non-polar, at codon 1592 of the MED13L protein (p.Ser1592Pro). This variant is not present in population databases (gnomAD no frequency). This variant has not been reported in the literature in individuals affected with MED13L-related conditions. Invitae Evidence Modeling of protein sequence and biophysical properties (such as structural, functional, and spatial information, amino acid conservation, physicochemical variation, residue mobility, and thermodynamic stability) indicates that this missense variant is not expected to disrupt MED13L protein function with a negative predictive value of 80%. In summary, the available evidence is currently insufficient to determine the role of this variant in disease. Therefore, it has been classified as a Variant of Uncertain Significance.

NM_015335.5(MED13L):c.4774T>C (p.Ser1592Pro)

Gene: MED13L (mediator complex subunit 13L; minus strand). Cytogenetic location: 12q24.21.
Variant type: single nucleotide variant.
Coding change: c.4774T>C on transcript NM_015335.5 (MANE Select); coding-DNA position 4774, T replaced by C.
Protein change: p.Ser1592Pro; replaces serine 1592 with proline.
Molecular consequence: missense variant.
Genome position (GRCh38, 1-based): chr12:115,983,298, A>G on the plus strand (T>C on the coding strand, the complement: MED13L is on the minus strand). VCF-style: chr12-115983298-A-G. GRCh37 (hg19) VCF-style: chr12-116421103-A-G.
Other names: short protein forms S1592P.
Identifiers: ClinVar variation 2897835 (VCV002897835.3), dbSNP rs2499826735, ClinGen allele CA386882896.
Genomic context (GRCh38, chr12:115,983,298, plus strand): 5'-CAACACTACCACTGAATCCTGAAGAAGAGGTAGTGCTTATCTGGCTAATACCAGGAGCAG[A>G]GGCAGACGATGAGACCGGTGGCACAGAGGAACCAGATGCAGAACTACTTGCTGCAGGATT-3'
Protein context (NP_056150.1, residues 1582-1602): SSVPPVSSSA[Ser1592Pro]APGISQISTT